The following is an entry in ClinVar:

NM_024306.5(FA2H):c.1087A>C (p.Thr363Pro)

Gene: FA2H (fatty acid 2-hydroxylase; minus strand). Cytogenetic location: 16q23.1.
Variant type: single nucleotide variant.
Coding change: c.1087A>C on transcript NM_024306.5 (MANE Select); coding-DNA position 1087, A replaced by C.
Protein change: p.Thr363Pro; replaces threonine 363 with proline.
Molecular consequence: missense variant.
Genome position (GRCh38, 1-based): chr16:74,714,222, T>G on the plus strand (A>C on the coding strand, the complement: FA2H is on the minus strand). VCF-style: chr16-74714222-T-G. GRCh37 (hg19) VCF-style: chr16-74748120-T-G.
Other names: short protein forms T363P.
Identifiers: ClinVar variation 320492 (VCV000320492.50), dbSNP rs200545714, ClinGen allele CA8170305.

ClinVar aggregate classification (germline): Benign/Likely benign. Review status: criteria provided, multiple submitters, no conflicts (2 of 4 stars). 4 submissions from 4 submitters: Benign (1); Likely benign (3). Last evaluated 2026-01-19.

Conditions:
Hereditary spastic paraplegia. Also called: Familial spastic paraparesis. Identifiers: Orphanet 685, MedGen C0037773, MONDO:0019064. Disease mechanism: loss of function.
Spastic paraplegia. Identifiers: MedGen C0037772, HP:0001258.
Hereditary spastic paraplegia 35. Also called: SPASTIC PARAPLEGIA 35, AUTOSOMAL RECESSIVE, WITH OR WITHOUT NEURODEGENERATION; LEUKODYSTROPHY, DYSMYELINATING, AND SPASTIC PARAPARESIS WITH OR WITHOUT DYSTONIA; Spastic paraplegia 35, autosomal recessive; Spastic paraplegia 35. Identifiers: Orphanet 171629, MedGen C3496228, MONDO:0012866, OMIM 612319.

Allele frequency attached by ClinVar (database versions not stated): gnomAD 0.00145 and 0.00152; gnomAD exomes 0.00239 and 0.00094; ExAC 0.00268; TOPMed 0.00013; 1000 Genomes Project 0.00040; 1000 Genomes Project 30x 0.00047.
gnomAD v4.1: 1,567 of 1,566,268 alleles (0.1%); highest among the groups gnomAD compares: East Asian, 0.047%; 21 homozygotes.

Submissions (4):

Labcorp Genetics (formerly Invitae), Labcorp
Classification: Benign for Spastic paraplegia. Last evaluated: 2026-01-19. Review status: criteria provided, single submitter. Criteria: Invitae Variant Classification Sherloc (09022015). Collection method: clinical testing. Allele origin: germline.

CeGaT Center for Human Genetics Tuebingen
Classification: Likely benign. Last evaluated: 2022-02-01. Review status: criteria provided, single submitter. Criteria: CeGaT Center For Human Genetics Tuebingen Variant Classification Criteria Version 2. Collection method: clinical testing. Allele origin: germline. Affected: yes. Observed: 1 variant allele.

Genome Diagnostics Laboratory, The Hospital for Sick Children
Classification: Likely benign for Hereditary spastic paraplegia. Last evaluated: 2019-08-01. Review status: criteria provided, single submitter. Criteria: ACMG Guidelines, 2015. Collection method: clinical testing. Allele origin: germline. Affected: yes.

Illumina Laboratory Services, Illumina
Classification: Likely benign for Hereditary spastic paraplegia 35. Last evaluated: 2018-01-13. Review status: criteria provided, single submitter. Criteria: ICSL Variant Classification Criteria 13 December 2019. Collection method: clinical testing. Allele origin: germline.
Comment: This variant was observed in the ICSL laboratory as part of a predisposition screen in an ostensibly healthy population. It had not been previously curated by ICSL or reported in the Human Gene Mutation Database (HGMD: prior to June 1st, 2018), and was therefore a candidate for classification through an automated scoring system. Utilizing variant allele frequency, disease prevalence and penetrance estimates, and inheritance mode, an automated score was calculated to assess if this variant is too frequent to cause the disease. Based on the score and internal cut-off values, a variant classified as likely benign is not then subjected to further curation. The score for this variant resulted in a classification of likely benign for this disease.